The following is an entry in ClinVar:

ClinVar aggregate classification (germline): Uncertain significance (1 of 4 stars; one submission).

Allele frequency attached by ClinVar (database versions not stated): gnomAD exomes below 0.00001; ExAC 0.00001; gnomAD 0.00004 and 0.00005; TOPMed 0.00006.
gnomAD v4.1: 11 of 1,600,722 alleles (0.00069%); highest among the groups gnomAD compares: African/African-American, 0.0081%; no homozygotes.

Submission:

Labcorp Genetics (formerly Invitae), Labcorp
Classification: Uncertain significance. Last evaluated: 2024-07-22. Review status: criteria provided, single submitter. Criteria: Invitae Variant Classification Sherloc (09022015). Collection method: clinical testing. Allele origin: germline.
Comment: This sequence change replaces arginine, which is basic and polar, with histidine, which is basic and polar, at codon 1425 of the HTT protein (p.Arg1425His). The frequency data for this variant in the population databases is considered unreliable, as metrics indicate poor data quality at this position in the gnomAD database. This variant has not been reported in the literature in individuals affected with HTT-related conditions. ClinVar contains an entry for this variant (Variation ID: 1346468). Experimental studies and prediction algorithms are not available or were not evaluated, and the functional significance of this variant is currently unknown. In summary, the available evidence is currently insufficient to determine the role of this variant in disease. Therefore, it has been classified as a Variant of Uncertain Significance.

NM_001388492.1(HTT):c.4268G>A (p.Arg1423His)

Gene: HTT (huntingtin; plus strand). Cytogenetic location: 4p16.3.
Variant type: single nucleotide variant.
Coding change: c.4268G>A on transcript NM_001388492.1 (MANE Select); coding-DNA position 4268, G replaced by A.
Protein change: p.Arg1423His; replaces arginine 1423 with histidine.
Molecular consequence: missense variant.
Genome position (GRCh38, 1-based): chr4:3,174,968, G>A. VCF-style: chr4-3174968-G-A. GRCh37 (hg19) VCF-style: chr4-3176695-G-A.
Other names: c.4274G>A, p.Arg1425His (NM_002111.8); short protein forms R1425H, R1423H.
Identifiers: ClinVar variation 1346468 (VCV001346468.6), dbSNP rs777708796, ClinGen allele CA2824391.